The following is an entry in ClinVar:

ClinVar aggregate classification (germline): Uncertain significance (1 of 4 stars; one submission).

Allele frequency attached by ClinVar (database versions not stated): gnomAD exomes 0.00001; gnomAD 0.00002.
gnomAD v4.1: 7 of 1,614,040 alleles (0.00043%); highest among the groups gnomAD compares: African/African-American, 0.0067%; no homozygotes.

Submission:

Labcorp Genetics (formerly Invitae), Labcorp
Classification: Uncertain significance. Last evaluated: 2023-07-10. Review status: criteria provided, single submitter. Criteria: Invitae Variant Classification Sherloc (09022015). Collection method: clinical testing. Allele origin: germline.
Comment: In summary, the available evidence is currently insufficient to determine the role of this variant in disease. Therefore, it has been classified as a Variant of Uncertain Significance. An algorithm developed to predict the effect of missense changes on protein structure and function (PolyPhen-2) suggests that this variant is likely to be disruptive. ClinVar contains an entry for this variant (Variation ID: 1524177). This variant has not been reported in the literature in individuals affected with SLC7A14-related conditions. This variant is present in population databases (no rsID available, gnomAD 0.004%). This sequence change replaces methionine, which is neutral and non-polar, with threonine, which is neutral and polar, at codon 364 of the SLC7A14 protein (p.Met364Thr).

NM_020949.3(SLC7A14):c.1091T>C (p.Met364Thr)

Genes: SLC7A14-AS1 (SLC7A14 antisense RNA 1; plus strand), SLC7A14 (solute carrier family 7 member 14; minus strand). Cytogenetic location: 3q26.2.
Variant type: single nucleotide variant.
Coding change: c.1091T>C on transcript NM_020949.3 (MANE Select); coding-DNA position 1091, T replaced by C.
Protein change: p.Met364Thr; replaces methionine 364 with threonine.
Molecular consequence: missense variant.
Genome position (GRCh38, 1-based): chr3:170,483,338, A>G on the plus strand (T>C on the coding strand, the complement: SLC7A14 is on the minus strand). VCF-style: chr3-170483338-A-G. GRCh37 (hg19) VCF-style: chr3-170201127-A-G.
Other names: short protein forms M364T.
Identifiers: ClinVar variation 1524177 (VCV001524177.8), dbSNP rs1211268691, ClinGen allele CA355491857.